The following is an entry in ClinVar:

NM_024577.4(SH3TC2):c.1462_1465dup (p.Phe489Ter)

Gene: SH3TC2 (SH3 domain and tetratricopeptide repeats 2; minus strand). Cytogenetic location: 5q32.
Variant type: Duplication.
Coding change: c.1462_1465dup on transcript NM_024577.4 (MANE Select); coding-DNA positions 1462 to 1465, 4 bases duplicated (GACT; older notation c.1462_1465dupGACT).
Protein change: p.Phe489Ter; replaces phenylalanine 489 with a stop codon.
Molecular consequence: nonsense.
Genome position (GRCh38, 1-based): chr5:149,028,267-149,028,270, AGTC duplicated on the plus strand (GACT on the coding strand, the reverse complement: SH3TC2 is on the minus strand); duplicating any 4 consecutive bases within chr5:149,028,267-149,028,271 gives the same sequence; the c. name uses the placement nearest the transcript's 3' end. VCF-style (leftmost placement, unchanged base first): chr5-149028266-A-AAGTC. GRCh37 (hg19) VCF-style: chr5-148407829-A-AAGTC.
Other names: short protein forms F489*.
Identifiers: ClinVar variation 2032655 (VCV002032655.4), dbSNP rs2531773852, ClinGen allele CA2580073829.

ClinVar aggregate classification (germline): Pathogenic (1 of 4 stars; one submission).

Conditions:
Charcot-Marie-Tooth disease type 4. Also called: Charcot-Marie-Tooth, Type 4; Charcot-Marie-Tooth disease, type IV. Identifiers: Orphanet 64749, MedGen C4082197, MONDO:0018995.

Submission:

Labcorp Genetics (formerly Invitae), Labcorp
Classification: Pathogenic for Charcot-Marie-Tooth disease type 4. Last evaluated: 2022-09-26. Review status: criteria provided, single submitter. Criteria: Invitae Variant Classification Sherloc (09022015). Collection method: clinical testing. Allele origin: germline.
Comment: For these reasons, this variant has been classified as Pathogenic. Algorithms developed to predict the effect of sequence changes on RNA splicing suggest that this variant may create or strengthen a splice site. This premature translational stop signal has been observed in individual(s) with clinical features of Charcot-Marie-Tooth disease (Invitae). This variant is not present in population databases (gnomAD no frequency). This sequence change creates a premature translational stop signal (p.Phe489*) in the SH3TC2 gene. It is expected to result in an absent or disrupted protein product. Loss-of-function variants in SH3TC2 are known to be pathogenic (PMID: 20220177, 27068304).

Literature cited by the submitters: PubMed 20220177; PubMed 27068304.